The following is an entry in ClinVar:

NM_000360.4(TH):c.193G>A (p.Gly65Arg)

Gene: TH (tyrosine hydroxylase; minus strand). Cytogenetic location: 11p15.5.
Variant type: single nucleotide variant.
Coding change: c.193G>A on transcript NM_000360.4 (MANE Select); coding-DNA position 193, G replaced by A.
Protein change: p.Gly65Arg; replaces glycine 65 with arginine.
Molecular consequence: missense variant.
Genome position (GRCh38, 1-based): chr11:2,169,769, C>T on the plus strand (G>A on the coding strand, the complement: TH is on the minus strand). VCF-style: chr11-2169769-C-T. GRCh37 (hg19) VCF-style: chr11-2190999-C-T.
Other names: c.286G>A, p.Gly96Arg (NM_199292.3); c.274G>A, p.Gly92Arg (NM_199293.3); short protein forms G96R, G65R, G92R.
Identifiers: ClinVar variation 412032 (VCV000412032.5), dbSNP rs780478399, ClinGen allele CA16613285.

ClinVar aggregate classification (germline): Uncertain significance. Review status: criteria provided, multiple submitters, no conflicts (2 of 4 stars). 3 submissions from 3 submitters: Uncertain significance (2). 1 of the submissions does not count toward it. Last evaluated 2025-05-16.

Conditions:
Inborn genetic diseases. Identifiers: MedGen C0950123, MeSH D030342.
TH-deficient dopa-responsive dystonia. Also called: DYT-TH; Tyrosine Hydroxylase-Deficient Dopa-Responsive Dystonia; Segawa syndrome, autosomal recessive. Identifiers: Orphanet 101150, MedGen C2673535, MONDO:0011551, OMIM 605407.

Allele frequency attached by ClinVar (database versions not stated): gnomAD 0.00001; TOPMed 0.00002.

Submissions (3):

Ambry Genetics
Classification: Uncertain significance for Inborn genetic diseases. Last evaluated: 2025-05-16. Review status: criteria provided, single submitter. Criteria: Ambry Variant Classification Scheme 2023. Collection method: clinical testing. Allele origin: germline.

Labcorp Genetics (formerly Invitae), Labcorp
Classification: Uncertain significance for TH-deficient dopa-responsive dystonia. Last evaluated: 2022-09-19. Review status: criteria provided, single submitter. Criteria: Invitae Variant Classification Sherloc (09022015). Collection method: clinical testing. Allele origin: germline.
Comment: This sequence change replaces glycine, which is neutral and non-polar, with arginine, which is basic and polar, at codon 96 of the TH protein (p.Gly96Arg). This variant is present in population databases (rs780478399, gnomAD 0.006%). This variant has not been reported in the literature in individuals affected with TH-related conditions. ClinVar contains an entry for this variant (Variation ID: 412032). Algorithms developed to predict the effect of missense changes on protein structure and function output the following: SIFT: "Deleterious"; PolyPhen-2: "Benign"; Align-GVGD: "Class C25". The arginine amino acid residue is found in multiple mammalian species, which suggests that this missense change does not adversely affect protein function. In summary, the available evidence is currently insufficient to determine the role of this variant in disease. Therefore, it has been classified as a Variant of Uncertain Significance.

Natera, Inc.
Classification: Uncertain significance for Autosomal recessive Segawa syndrome. Last evaluated: 2019-11-11. Review status: no assertion criteria provided. Collection method: clinical testing. Allele origin: germline. Not counted in ClinVar's aggregate classification.